The following is an entry in ClinVar:

ClinVar aggregate classification (germline): Uncertain significance. Review status: criteria provided, multiple submitters, no conflicts (2 of 4 stars). 3 submissions from 3 submitters: Uncertain significance (3). Last evaluated 2022-06-19.

Conditions:
Arrhythmogenic right ventricular dysplasia 13. Also called: Arrhythmogenic right ventricular dysplasia, familial, 13; ARRHYTHMOGENIC RIGHT VENTRICULAR CARDIOMYOPATHY 13. Identifiers: MedGen C3810138, MONDO:0000908, OMIM 615616.

Allele frequency attached by ClinVar (database versions not stated): gnomAD 0.00001; gnomAD exomes 0.00002.
gnomAD v4.1: 27 of 1,614,016 alleles (0.0017%); highest among the groups gnomAD compares: Non-Finnish European, 0.0023%; no homozygotes.

Submissions (3):

Labcorp Genetics (formerly Invitae), Labcorp
Classification: Uncertain significance for Arrhythmogenic right ventricular dysplasia 13. Last evaluated: 2022-06-19. Review status: criteria provided, single submitter. Criteria: Invitae Variant Classification Sherloc (09022015). Collection method: clinical testing. Allele origin: germline.
Comment: This variant is not present in population databases (gnomAD no frequency). This sequence change replaces serine, which is neutral and polar, with leucine, which is neutral and non-polar, at codon 256 of the CTNNA3 protein (p.Ser256Leu). This variant has not been reported in the literature in individuals affected with CTNNA3-related conditions. ClinVar contains an entry for this variant (Variation ID: 1176248). Algorithms developed to predict the effect of missense changes on protein structure and function are either unavailable or do not agree on the potential impact of this missense change (SIFT: "Tolerated"; PolyPhen-2: "Possibly Damaging"; Align-GVGD: "Class C0"). In summary, the available evidence is currently insufficient to determine the role of this variant in disease. Therefore, it has been classified as a Variant of Uncertain Significance.

Ambry Genetics
Classification: Uncertain significance. Last evaluated: 2021-11-14. Review status: criteria provided, single submitter. Criteria: Ambry Variant Classification Scheme 2023. Collection method: clinical testing. Allele origin: germline.
Comment: The p.S256L variant (also known as c.767C>T), located in coding exon 5 of the CTNNA3 gene, results from a C to T substitution at nucleotide position 767. The serine at codon 256 is replaced by leucine, an amino acid with dissimilar properties. This amino acid position is conserved. In addition, this alteration is predicted to be tolerated by in silico analysis. Since supporting evidence is limited at this time, the clinical significance of this alteration remains unclear.

CeGaT Center for Human Genetics Tuebingen
Classification: Uncertain significance. Last evaluated: 2021-03-01. Review status: criteria provided, single submitter. Criteria: CeGaT Center For Human Genetics Tuebingen Variant Classification Criteria Version 2. Collection method: clinical testing. Allele origin: germline. Affected: yes. Observed: 1 variant allele.

NM_013266.4(CTNNA3):c.767C>T (p.Ser256Leu)

Gene: CTNNA3 (catenin alpha 3; minus strand). Cytogenetic location: 10q21.3.
Variant type: single nucleotide variant.
Coding change: c.767C>T on transcript NM_013266.4 (MANE Select); coding-DNA position 767, C replaced by T.
Protein change: p.Ser256Leu; replaces serine 256 with leucine.
Molecular consequence: missense variant.
Genome position (GRCh38, 1-based): chr10:67,219,683, G>A on the plus strand (C>T on the coding strand, the complement: CTNNA3 is on the minus strand). VCF-style: chr10-67219683-G-A. GRCh37 (hg19) VCF-style: chr10-68979441-G-A.
Other names: c.767C>T, p.Ser256Leu (NM_001127384.3); c.803C>T, p.Ser268Leu (NM_001291133.2); short protein forms S256L, S268L.
Identifiers: ClinVar variation 1176248 (VCV001176248.42), dbSNP rs1864559262, ClinGen allele CA377097297.